The following is an entry in ClinVar:

NM_006445.4(PRPF8):c.5987+3G>T

Gene: PRPF8 (pre-mRNA processing factor 8; minus strand). Cytogenetic location: 17p13.3.
Variant type: single nucleotide variant.
Coding change: c.5987+3G>T on transcript NM_006445.4 (MANE Select); 3 bases into the intron after coding-DNA position 5987, G replaced by T.
Molecular consequence: intron variant.
Genome position (GRCh38, 1-based): chr17:1,655,347, C>A on the plus strand (G>T on the coding strand, the complement: PRPF8 is on the minus strand). VCF-style: chr17-1655347-C-A. GRCh37 (hg19) VCF-style: chr17-1558641-C-A.
Identifiers: ClinVar variation 849105 (VCV000849105.50), dbSNP rs368882006, ClinGen allele CA8271296.

ClinVar aggregate classification (germline): Uncertain significance. Review status: criteria provided, multiple submitters, no conflicts (2 of 4 stars). 2 submissions from 2 submitters: Uncertain significance (2). Last evaluated 2025-09-02.

Allele frequency attached by ClinVar (database versions not stated): gnomAD exomes 0.00004; ESP Exome Variant Server 0.00008; TOPMed 0.00001; gnomAD 0.00002; ExAC 0.00004.
gnomAD v4.1: 35 of 1,612,932 alleles (0.0022%); highest among the groups gnomAD compares: Non-Finnish European, 0.003%; no homozygotes.

Submissions (2):

Labcorp Genetics (formerly Invitae), Labcorp
Classification: Uncertain significance. Last evaluated: 2025-09-02. Review status: criteria provided, single submitter. Criteria: Invitae Variant Classification Sherloc (09022015). Collection method: clinical testing. Allele origin: germline.
Comment: This sequence change falls in intron 37 of the PRPF8 gene. It does not directly change the encoded amino acid sequence of the PRPF8 protein. It affects a nucleotide within the consensus splice site. This variant is present in population databases (rs368882006, gnomAD 0.009%). This variant has not been reported in the literature in individuals affected with PRPF8-related conditions. ClinVar contains an entry for this variant (Variation ID: 849105). Variants that disrupt the consensus splice site are a relatively common cause of aberrant splicing (PMID: 17576681, 9536098). Algorithms developed to predict the effect of sequence changes on RNA splicing suggest that this variant may disrupt the consensus splice site. In summary, the available evidence is currently insufficient to determine the role of this variant in disease. Therefore, it has been classified as a Variant of Uncertain Significance.

CeGaT Center for Human Genetics Tuebingen
Classification: Uncertain significance. Last evaluated: 2019-10-01. Review status: criteria provided, single submitter. Criteria: CeGaT Center For Human Genetics Tuebingen Variant Classification Criteria Version 2. Collection method: clinical testing. Allele origin: germline. Affected: yes. Observed: 1 variant allele.

Literature cited by the submitters: PubMed 17576681 (cited by Labcorp Genetics (formerly Invitae), Labcorp); PubMed 9536098 (cited by Labcorp Genetics (formerly Invitae), Labcorp).